The following is an entry in ClinVar:

ClinVar aggregate classification (germline): Uncertain significance. Review status: criteria provided, multiple submitters, no conflicts (2 of 4 stars). 2 submissions from 2 submitters: Uncertain significance (2). Last evaluated 2025-10-11.

Conditions:
Hereditary cancer-predisposing syndrome. Also called: Tumor predisposition; Hereditary Cancer Syndrome; Neoplastic Syndromes, Hereditary; Hereditary neoplastic syndrome. Identifiers: Orphanet 140162, MedGen C0027672, MeSH D009386, MONDO:0015356.

Submissions (2):

Ambry Genetics
Classification: Uncertain significance for Hereditary cancer-predisposing syndrome. Last evaluated: 2025-10-11. Review status: criteria provided, single submitter. Criteria: Ambry Variant Classification Scheme 2023. Collection method: clinical testing. Allele origin: germline.
Comment: The p.E537Q variant (also known as c.1609G>C), located in coding exon 7 of the BARD1 gene, results from a G to C substitution at nucleotide position 1609. The glutamic acid at codon 537 is replaced by glutamine, an amino acid with highly similar properties. This amino acid position is conserved. In addition, this alteration is predicted to be tolerated by in silico analysis. Based on the available evidence, the clinical significance of this variant remains unclear.

Genetic Services Laboratory, University of Chicago
Classification: Uncertain significance. Last evaluated: 2021-10-12. Review status: criteria provided, single submitter. Criteria: ACMG Guidelines, 2015. Collection method: clinical testing. Allele origin: germline. Affected: no.
Comment: DNA sequence analysis of the BARD1 gene demonstrated a sequence change, c.1609G>C, in exon 7 that results in an amino acid change, p.Glu537Gln. This sequence change does not appear to have been previously described in individuals with BARD1-related disorders and has also not been described in population databases such as ExAC and gnomAD. The p.Glu537Gln change affects a moderately conserved amino acid residue located in a domain of the BARD1 protein that is not known to be functional. In-silico pathogenicity prediction tools (SIFT, PolyPhen2, Align GVGD, REVEL) provide contradictory results for the p.Glu537Gln substitution. Due to insufficient evidences and the lack of functional studies, the clinical significance of the p.Glu537Gln change remains unknown at this time.

NM_000465.4(BARD1):c.1609G>C (p.Glu537Gln)

Gene: BARD1 (BRCA1 associated RING domain 1; minus strand). Cytogenetic location: 2q35.
Variant type: single nucleotide variant.
Coding change: c.1609G>C on transcript NM_000465.4 (MANE Select); coding-DNA position 1609, G replaced by C.
Protein change: p.Glu537Gln; replaces glutamic acid 537 with glutamine.
Molecular consequence: missense variant. On other transcripts: non-coding transcript variant (3), intron variant (1).
Genome position (GRCh38, 1-based): chr2:214,752,515, C>G on the plus strand (G>C on the coding strand, the complement: BARD1 is on the minus strand). VCF-style: chr2-214752515-C-G. GRCh37 (hg19) VCF-style: chr2-215617239-C-G.
Other names: c.1552G>C, p.Glu518Gln (NM_001282543.2); c.256G>C, p.Glu86Gln (NM_001282545.2); c.199G>C, p.Glu67Gln (NM_001282548.2); c.365-22007G>C (NM_001282549.2); c.1609G>C (NM_000465.2); short protein forms E518Q, E537Q, E67Q, E86Q.
Identifiers: ClinVar variation 1336719 (VCV001336719.5), dbSNP rs2106038947, ClinGen allele CA350454884.
Genomic context (GRCh38, chr2:214,752,515, plus strand): 5'-AGTGGCTAGCTGAGGATGATTCATTCTTCTCTGGTAGCAGCAATAGCGATTTCATACTTT[C>G]ATCATCTGTATAATCGACAGGCCGCAGACCAAATATATTACTGGTAAAATAAGTGCAGAT-3'
Protein context (NP_000456.2, residues 527-547): GLRPVDYTDD[Glu537Gln]SMKSLLLLPE